The following is an entry in ClinVar:

ClinVar aggregate classification (germline): Benign. Review status: criteria provided, multiple submitters, no conflicts (2 of 4 stars). 3 submissions from 3 submitters: Benign (3). Last evaluated 2026-02-02.

Conditions:
Fraser syndrome 1 (FRASRS1). Also called: CRYPTOPHTHALMOS WITH OTHER MALFORMATIONS. Identifiers: Orphanet 2052, MedGen C4551480, MONDO:0054737, OMIM 219000.

Allele frequency attached by ClinVar (database versions not stated): gnomAD exomes 0.01015; ExAC 0.01855; gnomAD 0.04114 and 0.04419; 1000 Genomes Project 30x 0.04201; 1000 Genomes Project 0.04233; ESP Exome Variant Server 0.04293; TOPMed 0.04729.
gnomAD v4.1: 12,351 of 1,570,672 alleles (0.79%); highest among the groups gnomAD compares: African/African-American, 14%; 857 homozygotes.

Submissions (3):

Labcorp Genetics (formerly Invitae), Labcorp
Classification: Benign. Last evaluated: 2026-02-02. Review status: criteria provided, single submitter. Criteria: Invitae Variant Classification Sherloc (09022015). Collection method: clinical testing. Allele origin: germline.

Illumina Laboratory Services, Illumina
Classification: Benign for Fraser syndrome 1. Last evaluated: 2018-01-12. Review status: criteria provided, single submitter. Criteria: ICSL Variant Classification Criteria 13 December 2019. Collection method: clinical testing. Allele origin: germline.
Comment: This variant was observed in the ICSL laboratory as part of a predisposition screen in an ostensibly healthy population. It had not been previously curated by ICSL or reported in the Human Gene Mutation Database (HGMD: prior to June 1st, 2018), and was therefore a candidate for classification through an automated scoring system. Utilizing variant allele frequency, disease prevalence and penetrance estimates, and inheritance mode, an automated score was calculated to assess if this variant is too frequent to cause the disease. Based on the score and internal cut-off values, a variant classified as benign is not then subjected to further curation. The score for this variant resulted in a classification of benign for this disease.

Breakthrough Genomics
Classification: Benign. Review status: criteria provided, single submitter. Criteria: ACMG Guidelines, 2015. Collection method: not provided. Allele origin: germline. Inheritance: Autosomal recessive inheritance. Affected: yes.

NM_025074.7(FRAS1):c.2575+15G>A

Gene: FRAS1 (Fraser extracellular matrix complex subunit 1; plus strand). Cytogenetic location: 4q21.21.
Variant type: single nucleotide variant.
Coding change: c.2575+15G>A on transcript NM_025074.7 (MANE Select); 15 bases into the intron after coding-DNA position 2575, G replaced by A.
Molecular consequence: intron variant.
Genome position (GRCh38, 1-based): chr4:78,363,680, G>A. VCF-style: chr4-78363680-G-A. GRCh37 (hg19) VCF-style: chr4-79284834-G-A.
Other names: c.2575+15G>A (NM_001166133.2).
Identifiers: ClinVar variation 349697 (VCV000349697.13), dbSNP rs79624813, ClinGen allele CA2976674.